The following is an entry in ClinVar:

NM_003738.5(PTCH2):c.2692C>T (p.Arg898Cys)

Gene: PTCH2 (patched 2; minus strand). Cytogenetic location: 1p34.1.
Variant type: single nucleotide variant.
Coding change: c.2692C>T on transcript NM_003738.5 (MANE Select); coding-DNA position 2692, C replaced by T.
Protein change: p.Arg898Cys; replaces arginine 898 with cysteine.
Molecular consequence: missense variant.
Genome position (GRCh38, 1-based): chr1:44,826,905, G>A on the plus strand (C>T on the coding strand, the complement: PTCH2 is on the minus strand). VCF-style: chr1-44826905-G-A. GRCh37 (hg19) VCF-style: chr1-45292577-G-A.
Other names: c.2692C>T, p.Arg898Cys (NM_001166292.2); short protein forms R898C.
Identifiers: ClinVar variation 639085 (VCV000639085.10), dbSNP rs759692145, ClinGen allele CA822934.

ClinVar aggregate classification (germline): Uncertain significance. Review status: criteria provided, multiple submitters, no conflicts (2 of 4 stars). 2 submissions from 2 submitters: Uncertain significance (2). Last evaluated 2023-09-01.

Conditions:
Basal cell carcinoma, susceptibility to, 1. Also called: BCC1. Identifiers: MedGen C2751544, MONDO:0011556, OMIM 605462.
Gorlin syndrome. Also called: Nevoid Basal Cell Carcinoma Syndrome; Basal cell nevus syndrome. Identifiers: Orphanet 377, MedGen C0004779, MONDO:0007187.

Allele frequency attached by ClinVar (database versions not stated): gnomAD exomes 0.00001 and 0.00003; ExAC 0.00003.
gnomAD v4.1: 15 of 1,614,022 alleles (0.00093%); highest among the groups gnomAD compares: South Asian, 0.0066%; no homozygotes.

Submissions (2):

Labcorp Genetics (formerly Invitae), Labcorp
Classification: Uncertain significance for Gorlin syndrome. Last evaluated: 2023-09-01. Review status: criteria provided, single submitter. Criteria: Invitae Variant Classification Sherloc (09022015). Collection method: clinical testing. Allele origin: germline.
Comment: This sequence change replaces arginine, which is basic and polar, with cysteine, which is neutral and slightly polar, at codon 898 of the PTCH2 protein (p.Arg898Cys). This variant is present in population databases (rs759692145, gnomAD 0.02%). This variant has not been reported in the literature in individuals affected with PTCH2-related conditions. ClinVar contains an entry for this variant (Variation ID: 639085). Advanced modeling of protein sequence and biophysical properties (such as structural, functional, and spatial information, amino acid conservation, physicochemical variation, residue mobility, and thermodynamic stability) performed at Invitae indicates that this missense variant is not expected to disrupt PTCH2 protein function. In summary, the available evidence is currently insufficient to determine the role of this variant in disease. Therefore, it has been classified as a Variant of Uncertain Significance.

Baylor Genetics
Classification: Uncertain significance for Basal cell carcinoma, susceptibility to, 1. Last evaluated: 2023-06-28. Review status: criteria provided, single submitter. Criteria: ACMG Guidelines, 2015. Collection method: clinical testing. Allele origin: unknown.